The following is an entry in ClinVar:

ClinVar aggregate classification (germline): Uncertain significance. Review status: criteria provided, multiple submitters, no conflicts (2 of 4 stars). 2 submissions from 2 submitters: Uncertain significance (2). Last evaluated 2025-09-01.

Allele frequency attached by ClinVar (database versions not stated): ExAC 0.00001; gnomAD exomes 0.00001; TOPMed 0.00001.
gnomAD v4.1: 17 of 1,604,440 alleles (0.0011%); highest among the groups gnomAD compares: Non-Finnish European, 0.0014%; no homozygotes.

Submissions (2):

CeGaT Center for Human Genetics Tuebingen
Classification: Uncertain significance. Last evaluated: 2025-09-01. Review status: criteria provided, single submitter. Criteria: CeGaT Center For Human Genetics Tuebingen Variant Classification Criteria Version 2. Collection method: clinical testing. Allele origin: germline. Affected: yes. Observed: 1 variant allele.
Comment: COL6A2: PM2

Eurofins Ntd Llc (ga)
Classification: Uncertain significance. Last evaluated: 2016-07-25. Review status: criteria provided, single submitter. Criteria: EGL Classification Definitions 2015. Collection method: clinical testing. Allele origin: germline. Observed: 1 variant allele, 1 heterozygote.

NM_001849.4(COL6A2):c.2377G>A (p.Val793Ile)

Gene: COL6A2 (collagen type VI alpha 2 chain; plus strand). Cytogenetic location: 21q22.3.
Variant type: single nucleotide variant.
Coding change: c.2377G>A on transcript NM_001849.4 (MANE Select); coding-DNA position 2377, G replaced by A.
Protein change: p.Val793Ile; replaces valine 793 with isoleucine.
Molecular consequence: missense variant.
Genome position (GRCh38, 1-based): chr21:46,126,192, G>A. VCF-style: chr21-46126192-G-A. GRCh37 (hg19) VCF-style: chr21-47546106-G-A.
Other names: c.2377G>A, p.Val793Ile (NM_058174.3, NM_058175.3); short protein forms V793I.
Identifiers: ClinVar variation 289572 (VCV000289572.12), dbSNP rs774600998, ClinGen allele CA10072540.